The following is an entry in ClinVar:

ClinVar aggregate classification (germline): Uncertain significance. Review status: criteria provided, multiple submitters, no conflicts (2 of 4 stars). 3 submissions from 3 submitters: Uncertain significance (3). Last evaluated 2026-08-27.

Conditions:
MKKS-related disorder. Also called: MKKS-related disorders; MKKS-related condition.
McKusick-Kaufman syndrome (MKKS). Also called: HYDROMETROCOLPOS SYNDROME; HYDROMETROCOLPOS, POSTAXIAL POLYDACTYLY, AND CONGENITAL HEART MALFORMATION. Identifiers: Orphanet 2473, MedGen C0948368, MONDO:0009367, OMIM 236700.
Bardet-Biedl syndrome (BBS). Identifiers: Orphanet 110, MedGen C0752166, MONDO:0015229.

Allele frequency attached by ClinVar (database versions not stated): gnomAD exomes below 0.00001 and 0.00002; ExAC 0.00001; gnomAD 0.00010 and 0.00012; TOPMed 0.00014.
gnomAD v4.1: 20 of 1,614,110 alleles (0.0012%); highest among the groups gnomAD compares: African/African-American, 0.025%; no homozygotes.

Submissions (3):

PreventionGenetics, part of Exact Sciences
Classification: Uncertain significance for MKKS-related condition. Last evaluated: 2026-08-27. Review status: criteria provided, single submitter. Criteria: ACMG Guidelines, 2015. Collection method: clinical testing. Allele origin: germline.
Comment: The MKKS c.311A>G variant is predicted to result in the amino acid substitution p.Glu104Gly. To our knowledge, this variant has not been reported in the literature. This variant is reported in 0.032% of alleles in individuals of African descent in gnomAD. At this time, the clinical significance of this variant is uncertain due to the absence of conclusive functional and genetic evidence.

Blueprint Genetics
Classification: Uncertain significance. Last evaluated: 2022-08-08. Review status: criteria provided, single submitter. Criteria: ACMG Guidelines, 2015. Collection method: clinical testing. Allele origin: germline.

Labcorp Genetics (formerly Invitae), Labcorp
Classification: Uncertain significance for McKusick-Kaufman syndrome; Bardet-Biedl syndrome. Last evaluated: 2022-07-06. Review status: criteria provided, single submitter. Criteria: Invitae Variant Classification Sherloc (09022015). Collection method: clinical testing. Allele origin: germline.
Comment: This sequence change replaces glutamic acid, which is acidic and polar, with glycine, which is neutral and non-polar, at codon 104 of the MKKS protein (p.Glu104Gly). This variant is present in population databases (rs747959135, gnomAD 0.03%). This variant has not been reported in the literature in individuals affected with MKKS-related conditions. ClinVar contains an entry for this variant (Variation ID: 849490). Algorithms developed to predict the effect of missense changes on protein structure and function are either unavailable or do not agree on the potential impact of this missense change (SIFT: "Deleterious"; PolyPhen-2: "Probably Damaging"; Align-GVGD: "Class C0"). In summary, the available evidence is currently insufficient to determine the role of this variant in disease. Therefore, it has been classified as a Variant of Uncertain Significance.

NM_170784.3(MKKS):c.311A>G (p.Glu104Gly)

Gene: MKKS (MKKS centrosomal shuttling protein; minus strand). Cytogenetic location: 20p12.2.
Variant type: single nucleotide variant.
Coding change: c.311A>G on transcript NM_170784.3 (MANE Select); coding-DNA position 311, A replaced by G.
Protein change: p.Glu104Gly; replaces glutamic acid 104 with glycine.
Molecular consequence: missense variant.
Genome position (GRCh38, 1-based): chr20:10,413,204, T>C on the plus strand (A>G on the coding strand, the complement: MKKS is on the minus strand). VCF-style: chr20-10413204-T-C. GRCh37 (hg19) VCF-style: chr20-10393852-T-C.
Other names: c.311A>G, p.Glu104Gly (NM_018848.3); short protein forms E104G.
Identifiers: ClinVar variation 849490 (VCV000849490.8), dbSNP rs747959135, ClinGen allele CA9763707.